The following is an entry in ClinVar:

ClinVar aggregate classification (germline): Benign. Review status: criteria provided, multiple submitters, no conflicts (2 of 4 stars). 2 submissions from 2 submitters: Benign (2). Last evaluated 2018-06-16.

Allele frequency attached by ClinVar (database versions not stated): 1000 Genomes Project 0.27177; 1000 Genomes Project 30x 0.28154; gnomAD 0.32142 and 0.33419; TOPMed 0.32182.

Submissions (2):

GeneDx
Classification: Benign. Last evaluated: 2018-06-16. Review status: criteria provided, single submitter. Criteria: GeneDx Variant Classification (06012015). Collection method: clinical testing. Allele origin: germline. Affected: yes.
Comment: This variant is considered likely benign or benign based on one or more of the following criteria: it is a conservative change, it occurs at a poorly conserved position in the protein, it is predicted to be benign by multiple in silico algorithms, and/or has population frequency not consistent with disease.

Breakthrough Genomics
Classification: Benign. Review status: criteria provided, single submitter. Criteria: ACMG Guidelines, 2015. Collection method: not provided. Allele origin: germline. Inheritance: Autosomal recessive inheritance. Affected: yes.

NM_013296.5(GPSM2):c.1193-110G>A

Gene: GPSM2 (G protein signaling modulator 2; plus strand). Cytogenetic location: 1p13.3.
Variant type: single nucleotide variant.
Coding change: c.1193-110G>A on transcript NM_013296.5 (MANE Select); 110 bases into the intron before coding-DNA position 1193, G replaced by A.
Molecular consequence: intron variant.
Genome position (GRCh38, 1-based): chr1:108,914,228, G>A. VCF-style: chr1-108914228-G-A. GRCh37 (hg19) VCF-style: chr1-109456850-G-A.
Other names: c.1193-110G>A (NM_001321038.2, NM_001321039.3).
Identifiers: ClinVar variation 681782 (VCV000681782.2), dbSNP rs1664419, ClinGen allele CA15111683.